The following is an entry in ClinVar:

NM_012193.4(FZD4):c.1218TGC[1] (p.Ala408del)

Genes: PRSS23 (serine protease 23; plus strand), FZD4 (frizzled class receptor 4; minus strand). Cytogenetic location: 11q14.2.
Variant type: Microsatellite.
Coding change: c.1218TGC[1] on transcript NM_012193.4 (MANE Select); one copy of the 3-base unit TGC starting at c.1218; the reference has two copies in a row; one copy, 3 bases deleted.
Protein change: p.Ala408del; deletes alanine 408.
Molecular consequence: inframe deletion. On other transcripts: non-coding transcript variant (2).
Genome position (GRCh38, 1-based): chr11:86,951,533-86,951,535, GCA deleted on the plus strand (TGC on the coding strand, the reverse complement: FZD4 is on the minus strand); deleting any 3 consecutive bases within chr11:86,951,533-86,951,538 gives the same sequence; the position shown is the placement nearest the transcript's 3' end. VCF-style (leftmost placement, unchanged base first): chr11-86951532-TGCA-T. GRCh37 (hg19) VCF-style: chr11-86662574-TGCA-T.
Other names: c.1221_1223delTGC (NM_012193.3); short protein forms A408del.
Identifiers: ClinVar variation 450699 (VCV000450699.4), dbSNP rs1555085564, ClinGen allele CA658658082.

ClinVar aggregate classification (germline): Likely pathogenic (1 of 4 stars; one submission).

Submission:

GeneDx
Classification: Likely pathogenic. Last evaluated: 2019-12-04. Review status: criteria provided, single submitter. Criteria: GeneDx Variant Classification Process June 2021. Collection method: clinical testing. Allele origin: germline. Affected: yes.
Comment: Not observed in large population cohorts (Lek et al., 2016); In-frame deletion of 1 amino acids in a non-repeat region; In silico analysis, which includes protein predictors and evolutionary conservation, supports a deleterious effect; Has not been previously published as pathogenic or benign to our knowledge